The following is an entry in ClinVar:

NM_058216.3(RAD51C):c.128C>T (p.Pro43Leu)

Gene: RAD51C (RAD51 paralog C; plus strand). Cytogenetic location: 17q22.
Variant type: single nucleotide variant.
Coding change: c.128C>T on transcript NM_058216.3 (MANE Select); coding-DNA position 128, C replaced by T.
Protein change: p.Pro43Leu; replaces proline 43 with leucine.
Molecular consequence: missense variant. On other transcripts: non-coding transcript variant (1).
Genome position (GRCh38, 1-based): chr17:58,692,771, C>T. VCF-style: chr17-58692771-C-T. GRCh37 (hg19) VCF-style: chr17-56770132-C-T.
Other names: c.128C>T (NM_058216.1); c.128C>T, p.Pro43Leu (NM_002876.4); short protein forms P43L.
Identifiers: ClinVar variation 922463 (VCV000922463.10), dbSNP rs766958594, ClinGen allele CA8677150.

ClinVar aggregate classification (germline): Uncertain significance. Review status: criteria provided, multiple submitters, no conflicts (2 of 4 stars). 4 submissions from 4 submitters: Uncertain significance (4). Last evaluated 2026-03-23.

Conditions:
Hereditary cancer-predisposing syndrome. Also called: Hereditary Cancer Syndrome; Neoplastic Syndromes, Hereditary; Tumor predisposition; Hereditary neoplastic syndrome. Identifiers: Orphanet 140162, MedGen C0027672, MeSH D009386, MONDO:0015356.
Fanconi anemia complementation group O. Also called: RAD51C-Related Fanconi Anemia. Identifiers: Orphanet 84, MedGen C3150653, MONDO:0013248, OMIM 613390.

Allele frequency attached by ClinVar (database versions not stated): gnomAD exomes 0.00001; ExAC 0.00001.
gnomAD v4.1: 3 of 1,614,208 alleles (0.00019%); highest among the groups gnomAD compares: East Asian, 0.0045%; no homozygotes.

Submissions (4):

Ambry Genetics
Classification: Uncertain significance for Hereditary cancer-predisposing syndrome. Last evaluated: 2026-03-23. Review status: criteria provided, single submitter. Criteria: Ambry Variant Classification Scheme 2023. Collection method: clinical testing. Allele origin: germline.
Comment: The p.P43L variant (also known as c.128C>T), located in coding exon 1 of the RAD51C gene, results from a C to T substitution at nucleotide position 128. The proline at codon 43 is replaced by leucine, an amino acid with similar properties. In a homology-directed DNA repair (HDR) assay, this alteration showed a functionally normal read-out (Hu C et al. Cancer Res, 2023 Aug;83:2557-2571). This amino acid position is well conserved in available vertebrate species. In addition, the in silico prediction for this alteration is inconclusive. Based on the available evidence, the clinical significance of this variant remains unclear.

Color Diagnostics, LLC DBA Color Health
Classification: Uncertain significance for Hereditary cancer-predisposing syndrome. Last evaluated: 2023-11-27. Review status: criteria provided, single submitter. Criteria: ACMG Guidelines, 2015. Collection method: clinical testing. Allele origin: germline.
Comment: This missense variant replaces proline with leucine at codon 43 of the RAD51C protein. Computational prediction suggests that this variant may not impact protein structure and function. To our knowledge, functional studies have not been reported for this variant. This variant has not been reported in individuals affected with RAD51C-related disorders in the literature. This variant has been identified in 2/251416 chromosomes in the general population by the Genome Aggregation Database (gnomAD). The available evidence is insufficient to determine the role of this variant in disease conclusively. Therefore, this variant is classified as a Variant of Uncertain Significance.

Labcorp Genetics (formerly Invitae), Labcorp
Classification: Uncertain significance for Fanconi anemia complementation group O. Last evaluated: 2022-07-14. Review status: criteria provided, single submitter. Criteria: Invitae Variant Classification Sherloc (09022015). Collection method: clinical testing. Allele origin: germline.
Comment: This sequence change replaces proline, which is neutral and non-polar, with leucine, which is neutral and non-polar, at codon 43 of the RAD51C protein (p.Pro43Leu). This variant is present in population databases (rs766958594, gnomAD 0.01%). This variant has not been reported in the literature in individuals affected with RAD51C-related conditions. ClinVar contains an entry for this variant (Variation ID: 922463). Advanced modeling of protein sequence and biophysical properties (such as structural, functional, and spatial information, amino acid conservation, physicochemical variation, residue mobility, and thermodynamic stability) performed at Invitae indicates that this missense variant is expected to disrupt RAD51C protein function. In summary, the available evidence is currently insufficient to determine the role of this variant in disease. Therefore, it has been classified as a Variant of Uncertain Significance.

Women's Health and Genetics/Laboratory Corporation of America, LabCorp
Classification: Uncertain significance. Last evaluated: 2019-10-03. Review status: criteria provided, single submitter. Criteria: LabCorp Variant Classification Summary - May 2015. Collection method: clinical testing. Allele origin: germline.
Comment: Variant summary: RAD51C c.128C>T (p.Pro43Leu) results in a non-conservative amino acid change in the encoded protein sequence. Three of five in-silico tools predict a damaging effect of the variant on protein function. The variant allele was found at a frequency of 8e-06 in 251416 control chromosomes (gnomAD). The available data on variant occurrences in the general population are insufficient to allow any conclusion about variant significance. To our knowledge, no occurrence of c.128C>T in individuals affected with Hereditary Breast and Ovarian Cancer and no experimental evidence demonstrating its impact on protein function have been reported. No clinical diagnostic laboratories have submitted clinical-significance assessments for this variant to ClinVar after 2014. Based on the evidence outlined above, the variant was classified as uncertain significance.

Literature cited by the submitters: PubMed 37253112 (cited by Ambry Genetics).